The following is an entry in ClinVar:

ClinVar aggregate classification (germline): Uncertain significance (1 of 4 stars; one submission).

Conditions:
EGFR-related lung cancer (EGFR). Identifiers: MedGen CN130014.

Submission:

Labcorp Genetics (formerly Invitae), Labcorp
Classification: Uncertain significance for EGFR-related lung cancer. Last evaluated: 2020-04-27. Review status: criteria provided, single submitter. Criteria: Invitae Variant Classification Sherloc (09022015). Collection method: clinical testing. Allele origin: germline.
Comment: This sequence change replaces glutamic acid with aspartic acid at codon 205 of the EGFR protein (p.Glu205Asp). The glutamic acid residue is weakly conserved and there is a small physicochemical difference between glutamic acid and aspartic acid. In summary, the available evidence is currently insufficient to determine the role of this variant in disease. Therefore, it has been classified as a Variant of Uncertain Significance. Algorithms developed to predict the effect of missense changes on protein structure and function (SIFT, PolyPhen-2, Align-GVGD) all suggest that this variant is likely to be tolerated, but these predictions have not been confirmed by published functional studies and their clinical significance is uncertain. This variant has not been reported in the literature in individuals with EGFR-related conditions. This variant is not present in population databases (ExAC no frequency).

NM_005228.5(EGFR):c.615G>C (p.Glu205Asp)

Gene: EGFR (epidermal growth factor receptor; plus strand). Cytogenetic location: 7p11.2.
Variant type: single nucleotide variant.
Coding change: c.615G>C on transcript NM_005228.5 (MANE Select); coding-DNA position 615, G replaced by C.
Protein change: p.Glu205Asp; replaces glutamic acid 205 with aspartic acid.
Molecular consequence: missense variant. On other transcripts: intron variant (1).
Genome position (GRCh38, 1-based): chr7:55,151,349, G>C. VCF-style: chr7-55151349-G-C. GRCh37 (hg19) VCF-style: chr7-55219042-G-C.
Other names: c.480G>C, p.Glu160Asp (NM_001346897.2, NM_001346899.2); c.615G>C, p.Glu205Asp (NM_001346898.2, NM_201282.2, NM_201283.2 and 1 more transcripts); c.456G>C, p.Glu152Asp (NM_001346900.2); c.89-4481G>C (NM_001346941.2); short protein forms E152D, E160D, E205D.
Identifiers: ClinVar variation 1018719 (VCV001018719.8), dbSNP rs1785140485, ClinGen allele CA367577266.